The following is an entry in ClinVar:

ClinVar aggregate classification (germline): Uncertain significance. Review status: criteria provided, multiple submitters, no conflicts (2 of 4 stars). 2 submissions from 2 submitters: Uncertain significance (2). Last evaluated 2026-09-03.

Conditions:
USP9X-related disorder. Also called: USP9X-related condition.

Submissions (2):

PreventionGenetics, part of Exact Sciences
Classification: Uncertain significance for USP9X-related condition. Last evaluated: 2026-09-03. Review status: criteria provided, single submitter. Criteria: ACMG Guidelines, 2015. Collection method: clinical testing. Allele origin: germline.
Comment: The USP9X c.5005A>G variant is predicted to result in the amino acid substitution p.Lys1669Glu. To our knowledge, this variant has not been reported in the literature or in a large population database (gnomAD), indicating this variant is rare. At this time, the clinical significance of this variant is uncertain due to the absence of conclusive functional and genetic evidence.

Labcorp Genetics (formerly Invitae), Labcorp
Classification: Uncertain significance. Last evaluated: 2025-05-18. Review status: criteria provided, single submitter. Criteria: Invitae Variant Classification Sherloc (09022015). Collection method: clinical testing. Allele origin: germline.
Comment: This sequence change replaces lysine, which is basic and polar, with glutamic acid, which is acidic and polar, at codon 1669 of the USP9X protein (p.Lys1669Glu). This variant is not present in population databases (gnomAD no frequency). This variant has not been reported in the literature in individuals affected with USP9X-related conditions. An algorithm developed to predict the effect of missense changes on protein structure and function (PolyPhen-2) suggests that this variant is likely to be tolerated. In summary, the available evidence is currently insufficient to determine the role of this variant in disease. Therefore, it has been classified as a Variant of Uncertain Significance.

NM_001039591.3(USP9X):c.5005A>G (p.Lys1669Glu)

Gene: USP9X (ubiquitin specific peptidase 9 X-linked; plus strand). Cytogenetic location: Xp11.4.
Variant type: single nucleotide variant.
Coding change: c.5005A>G on transcript NM_001039591.3 (MANE Select); coding-DNA position 5005, A replaced by G.
Protein change: p.Lys1669Glu; replaces lysine 1669 with glutamic acid.
Molecular consequence: missense variant.
Genome position (GRCh38, 1-based): chrX:41,205,483, A>G. VCF-style: chrX-41205483-A-G. GRCh37 (hg19) VCF-style: chrX-41064736-A-G.
Other names: c.5005A>G (NM_001039590.2); c.5005A>G, p.Lys1669Glu (NM_001039590.3); c.5020A>G, p.Lys1674Glu (NM_001410748.1, NM_001410749.1, NM_001437534.1); short protein forms K1674E, K1669E.
Identifiers: ClinVar variation 4770323 (VCV004770323.2).